The following is an entry in ClinVar:

NM_001257096.2(PAX1):c.177C>A (p.Cys59Ter)

Gene: PAX1 (paired box 1; plus strand). Cytogenetic location: 20p11.22.
Variant type: single nucleotide variant.
Coding change: c.177C>A on transcript NM_001257096.2 (MANE Select); coding-DNA position 177, C replaced by A.
Protein change: p.Cys59Ter; replaces cysteine 59 with a stop codon.
Molecular consequence: nonsense.
Genome position (GRCh38, 1-based): chr20:21,705,889, C>A. VCF-style: chr20-21705889-C-A. GRCh37 (hg19) VCF-style: chr20-21686527-C-A.
Other names: c.177C>A (NM_006192.4); c.177C>A, p.Cys59Ter (NM_006192.5); short protein forms C59*.
Identifiers: ClinVar variation 3000586 (VCV003000586.4), dbSNP rs1266250537, ClinGen allele CA408497010.

ClinVar aggregate classification (germline): Pathogenic/Likely pathogenic. Review status: criteria provided, multiple submitters, no conflicts (2 of 4 stars). 2 submissions from 2 submitters: Pathogenic (1); Likely pathogenic (1). Last evaluated 2025-02-08.

gnomAD v4.1: 2 of 1,403,052 alleles (0.00014%); highest among the groups gnomAD compares: Admixed American, 0.0055%; no homozygotes.

Submissions (2):

Labcorp Genetics (formerly Invitae), Labcorp
Classification: Pathogenic. Last evaluated: 2025-02-08. Review status: criteria provided, single submitter. Criteria: Invitae Variant Classification Sherloc (09022015). Collection method: clinical testing. Allele origin: germline.
Comment: This sequence change creates a premature translational stop signal (p.Cys59*) in the PAX1 gene. It is expected to result in an absent or disrupted protein product. Loss-of-function variants in PAX1 are known to be pathogenic (PMID: 1889089, 23851939, 28657137, 29681087). This variant is not present in population databases (gnomAD no frequency). This variant has not been reported in the literature in individuals affected with PAX1-related conditions. ClinVar contains an entry for this variant (Variation ID: 3000586). For these reasons, this variant has been classified as Pathogenic.

GeneDx
Classification: Likely pathogenic. Last evaluated: 2024-10-07. Review status: criteria provided, single submitter. Criteria: GeneDx Variant Classification Process June 2021. Collection method: clinical testing. Allele origin: germline. Affected: yes.
Comment: Has not been previously published as pathogenic or benign to our knowledge; Not observed at significant frequency in large population cohorts (gnomAD); Nonsense variant predicted to result in protein truncation or nonsense mediated decay in a gene for which loss of function is a known mechanism of disease; This variant is associated with the following publications: (PMID: 23851939, 29681087, 1889089, 28657137)

Literature cited by the submitters: PubMed 1889089 (cited by Labcorp Genetics (formerly Invitae), Labcorp); PubMed 23851939 (cited by Labcorp Genetics (formerly Invitae), Labcorp); PubMed 28657137 (cited by Labcorp Genetics (formerly Invitae), Labcorp); PubMed 29681087 (cited by Labcorp Genetics (formerly Invitae), Labcorp).